The following is an entry in ClinVar:

ClinVar aggregate classification (germline): Uncertain significance. Review status: criteria provided, multiple submitters, no conflicts (2 of 4 stars). 3 submissions from 3 submitters: Uncertain significance (3). Last evaluated 2025-09-02.

Conditions:
Inborn genetic diseases. Identifiers: MedGen C0950123, MeSH D030342.

Allele frequency attached by ClinVar (database versions not stated): gnomAD exomes 0.00001; gnomAD 0.00003; 1000 Genomes Project 30x 0.00031; TOPMed 0.00001; 1000 Genomes Project 0.00020; ExAC 0.00007.
gnomAD v4.1: 13 of 1,614,100 alleles (0.00081%); highest among the groups gnomAD compares: East Asian, 0.029%; no homozygotes.

Submissions (3):

Labcorp Genetics (formerly Invitae), Labcorp
Classification: Uncertain significance. Last evaluated: 2025-09-02. Review status: criteria provided, single submitter. Criteria: Invitae Variant Classification Sherloc (09022015). Collection method: clinical testing. Allele origin: germline.
Comment: This sequence change replaces leucine, which is neutral and non-polar, with serine, which is neutral and polar, at codon 263 of the BMP2 protein (p.Leu263Ser). This variant is present in population databases (rs199628088, gnomAD 0.07%), and has an allele count higher than expected for a pathogenic variant. This variant has not been reported in the literature in individuals affected with BMP2-related conditions. ClinVar contains an entry for this variant (Variation ID: 2439532). An algorithm developed to predict the effect of missense changes on protein structure and function (PolyPhen-2) suggests that this variant is likely to be disruptive. In summary, the available evidence is currently insufficient to determine the role of this variant in disease. Therefore, it has been classified as a Variant of Uncertain Significance.

Ambry Genetics
Classification: Uncertain significance for Inborn genetic diseases. Last evaluated: 2024-01-03. Review status: criteria provided, single submitter. Criteria: Ambry Variant Classification Scheme 2023. Collection method: clinical testing. Allele origin: germline.

Revvity Omics, Revvity
Classification: Uncertain significance. Last evaluated: 2019-12-12. Review status: criteria provided, single submitter. Criteria: ACMG Guidelines, 2015. Collection method: clinical testing. Allele origin: germline.

NM_001200.4(BMP2):c.788T>C (p.Leu263Ser)

Gene: BMP2 (bone morphogenetic protein 2; plus strand). Cytogenetic location: 20p12.3.
Variant type: single nucleotide variant.
Coding change: c.788T>C on transcript NM_001200.4 (MANE Select); coding-DNA position 788, T replaced by C.
Protein change: p.Leu263Ser; replaces leucine 263 with serine.
Molecular consequence: missense variant.
Genome position (GRCh38, 1-based): chr20:6,778,686, T>C. VCF-style: chr20-6778686-T-C. GRCh37 (hg19) VCF-style: chr20-6759333-T-C.
Other names: short protein forms L263S.
Identifiers: ClinVar variation 2439532 (VCV002439532.7), dbSNP rs199628088, ClinGen allele CA9758744.